The following is an entry in ClinVar:

NM_000051.4(ATM):c.2179G>A (p.Gly727Ser)

Gene: ATM (ATM serine/threonine kinase; plus strand). Cytogenetic location: 11q22.3.
Variant type: single nucleotide variant.
Coding change: c.2179G>A on transcript NM_000051.4 (MANE Select); coding-DNA position 2179, G replaced by A.
Protein change: p.Gly727Ser; replaces glycine 727 with serine.
Molecular consequence: missense variant.
Genome position (GRCh38, 1-based): chr11:108,256,269, G>A. VCF-style: chr11-108256269-G-A. GRCh37 (hg19) VCF-style: chr11-108126996-G-A.
Other names: c.2179G>A, p.Gly727Ser (NM_001351834.2); short protein forms G727S.
Identifiers: ClinVar variation 862112 (VCV000862112.10), dbSNP rs2080477463, ClinGen allele CA11914693.

ClinVar aggregate classification (germline): Uncertain significance. Review status: criteria provided, multiple submitters, no conflicts (2 of 4 stars). 2 submissions from 2 submitters: Uncertain significance (2). Last evaluated 2026-08-18.

Conditions:
Ataxia-telangiectasia syndrome (AT). Also called: Ataxia-telangiectasia, complementation group D; AT, COMPLEMENTATION GROUP C; ATAXIA-TELANGIECTASIA, COMPLEMENTATION GROUP A; ATAXIA-TELANGIECTASIA, FRESNO VARIANT; Ataxia-telangiectasia; LOUIS-BAR SYNDROME. Identifiers: Orphanet 100, MedGen C0004135, MONDO:0008840, OMIM 208900.
Hereditary cancer-predisposing syndrome. Also called: Tumor predisposition; Hereditary neoplastic syndrome; Neoplastic Syndromes, Hereditary; Hereditary Cancer Syndrome. Identifiers: Orphanet 140162, MedGen C0027672, MeSH D009386, MONDO:0015356.

Allele frequency attached by ClinVar (database versions not stated): gnomAD exomes below 0.00001.

Submissions (2):

Ambry Genetics
Classification: Uncertain significance for Hereditary cancer-predisposing syndrome. Last evaluated: 2026-08-18. Review status: criteria provided, single submitter. Criteria: Ambry Variant Classification Scheme 2023. Collection method: clinical testing. Allele origin: germline.
Comment: The p.G727S variant (also known as c.2179G>A), located in coding exon 13 of the ATM gene, results from a G to A substitution at nucleotide position 2179. The glycine at codon 727 is replaced by serine, an amino acid with similar properties. In an assay testing ATM function, this variant showed a functionally normal result (Lee KS et al. Cell, 2025 Sep;188:5081-5099.e27). This amino acid position is highly conserved in available vertebrate species. In addition, the in silico prediction for this alteration is inconclusive. Based on the available evidence, the clinical significance of this variant remains unclear.

Labcorp Genetics (formerly Invitae), Labcorp
Classification: Uncertain significance for Ataxia-telangiectasia syndrome. Last evaluated: 2023-08-17. Review status: criteria provided, single submitter. Criteria: Invitae Variant Classification Sherloc (09022015). Collection method: clinical testing. Allele origin: germline.
Comment: An algorithm developed to predict the effect of missense changes on protein structure and function (PolyPhen-2) suggests that this variant is likely to be tolerated. ClinVar contains an entry for this variant (Variation ID: 862112). This missense change has been observed in individual(s) with breast and/or ovarian cancer (PMID: 29470806). This variant is not present in population databases (gnomAD no frequency). This sequence change replaces glycine, which is neutral and non-polar, with serine, which is neutral and polar, at codon 727 of the ATM protein (p.Gly727Ser). In summary, the available evidence is currently insufficient to determine the role of this variant in disease. Therefore, it has been classified as a Variant of Uncertain Significance. Algorithms developed to predict the effect of sequence changes on RNA splicing suggest that this variant may create or strengthen a splice site.

Literature cited by the submitters: PubMed 40580951 (cited by Ambry Genetics); PubMed 29470806 (cited by Labcorp Genetics (formerly Invitae), Labcorp).